The following is an entry in ClinVar:

ClinVar aggregate classification (germline): Uncertain significance (1 of 4 stars; one submission).

Conditions:
Neuronal ceroid lipofuscinosis 7 (CLN7). Also called: MFSD8-Related Neuronal Ceroid-Lipofuscinosis. Identifiers: Orphanet 168491, Orphanet 228366, MedGen C1838571, MONDO:0012588, OMIM 610951.

Allele frequency attached by ClinVar (database versions not stated): gnomAD exomes below 0.00001; TOPMed below 0.00001; ExAC 0.00001.
gnomAD v4.1: 2 of 1,614,080 alleles (0.00012%); highest among the groups gnomAD compares: Admixed American, 0.0017%; no homozygotes.

Submission:

Labcorp Genetics (formerly Invitae), Labcorp
Classification: Uncertain significance for Neuronal ceroid lipofuscinosis 7. Last evaluated: 2020-05-21. Review status: criteria provided, single submitter. Criteria: Invitae Variant Classification Sherloc (09022015). Collection method: clinical testing. Allele origin: germline.
Comment: In summary, the available evidence is currently insufficient to determine the role of this variant in disease. Therefore, it has been classified as a Variant of Uncertain Significance. Algorithms developed to predict the effect of missense changes on protein structure and function are either unavailable or do not agree on the potential impact of this missense change (SIFT: "Deleterious"; PolyPhen-2: "Possibly Damaging"; Align-GVGD: "Class C0"). This variant has not been reported in the literature in individuals with MFSD8-related conditions. The frequency data for this variant in the population databases is considered unreliable, as metrics indicate poor data quality at this position in the ExAC database. This sequence change replaces leucine with isoleucine at codon 467 of the MFSD8 protein (p.Leu467Ile). The leucine residue is highly conserved and there is a small physicochemical difference between leucine and isoleucine.

NM_001371596.2(MFSD8):c.1399C>A (p.Leu467Ile)

Gene: MFSD8 (major facilitator superfamily domain containing 8; minus strand). Cytogenetic location: 4q28.2.
Variant type: single nucleotide variant.
Coding change: c.1399C>A on transcript NM_001371596.2 (MANE Select); coding-DNA position 1399, C replaced by A.
Protein change: p.Leu467Ile; replaces leucine 467 with isoleucine.
Molecular consequence: missense variant.
Genome position (GRCh38, 1-based): chr4:127,920,788, G>T on the plus strand (C>A on the coding strand, the complement: MFSD8 is on the minus strand). VCF-style: chr4-127920788-G-T. GRCh37 (hg19) VCF-style: chr4-128841943-G-T.
Other names: c.1198C>A, p.Leu400Ile (NM_001363520.3); c.1084C>A, p.Leu362Ile (NM_001363521.3); c.1264C>A, p.Leu422Ile (NM_001371590.2); c.1408C>A, p.Leu470Ile (NM_001371591.2); c.1405C>A, p.Leu469Ile (NM_001371592.2); c.1285C>A, p.Leu429Ile (NM_001371593.2); c.1252C>A, p.Leu418Ile (NM_001371594.2); c.1117C>A, p.Leu373Ile (NM_001371595.1); and 3 more; short protein forms L362I, L373I, L400I, L418I, L422I, L429I, L467I, L469I.
Identifiers: ClinVar variation 1058562 (VCV001058562.6), dbSNP rs754100928, ClinGen allele CA3077227.